The following is an entry in ClinVar:

NM_153252.5(BRWD3):c.2932A>G (p.Met978Val)

Gene: BRWD3 (bromodomain and WD repeat domain containing 3; minus strand). Cytogenetic location: Xq21.1.
Variant type: single nucleotide variant.
Coding change: c.2932A>G on transcript NM_153252.5 (MANE Select); coding-DNA position 2932, A replaced by G.
Protein change: p.Met978Val; replaces methionine 978 with valine.
Molecular consequence: missense variant.
Genome position (GRCh38, 1-based): chrX:80,699,968, T>C on the plus strand (A>G on the coding strand, the complement: BRWD3 is on the minus strand). VCF-style: chrX-80699968-T-C. GRCh37 (hg19) VCF-style: chrX-79955467-T-C.
Other names: short protein forms M978V.
Identifiers: ClinVar variation 3906081 (VCV003906081.10).

ClinVar aggregate classification (germline): Uncertain significance (1 of 4 stars; one submission).

gnomAD v4.1: 5 of 1,206,484 alleles (0.00041%); highest among the groups gnomAD compares: Non-Finnish European, 0.00034%; no homozygotes.

Submission:

CeGaT Center for Human Genetics Tuebingen
Classification: Uncertain significance. Last evaluated: 2025-06-01. Review status: criteria provided, single submitter. Criteria: CeGaT Center For Human Genetics Tuebingen Variant Classification Criteria Version 2. Collection method: clinical testing. Allele origin: germline. Affected: yes. Observed: 1 variant allele.
Comment: BRWD3: PM2, PP2